The following is an entry in ClinVar:

ClinVar aggregate classification (germline): Uncertain significance (1 of 4 stars; one submission).

gnomAD v4.1: 10 of 1,609,146 alleles (0.00062%); highest among the groups gnomAD compares: Non-Finnish European, 0.00068%; no homozygotes.

Submission:

Labcorp Genetics (formerly Invitae), Labcorp
Classification: Uncertain significance. Last evaluated: 2024-02-13. Review status: criteria provided, single submitter. Criteria: Invitae Variant Classification Sherloc (09022015). Collection method: clinical testing. Allele origin: germline.
Comment: This sequence change falls in intron 3 of the A2ML1 gene. It does not directly change the encoded amino acid sequence of the A2ML1 protein. It affects a nucleotide within the consensus splice site. This variant is present in population databases (rs371235744, gnomAD 0.002%). This variant has not been reported in the literature in individuals affected with A2ML1-related conditions. Variants that disrupt the consensus splice site are a relatively common cause of aberrant splicing (PMID: 17576681, 9536098). Algorithms developed to predict the effect of sequence changes on RNA splicing suggest that this variant is not likely to affect RNA splicing. In summary, the available evidence is currently insufficient to determine the role of this variant in disease. Therefore, it has been classified as a Variant of Uncertain Significance.

Literature cited by the submitters: PubMed 17576681; PubMed 9536098.

NM_144670.6(A2ML1):c.409+3A>G

Genes: A2ML1 (alpha-2-macroglobulin like 1; plus strand), A2ML1-AS1 (A2ML1 antisense RNA 1; minus strand). Cytogenetic location: 12p13.31.
Variant type: single nucleotide variant.
Coding change: c.409+3A>G on transcript NM_144670.6 (MANE Select); 3 bases into the intron after coding-DNA position 409, A replaced by G.
Molecular consequence: intron variant.
Genome position (GRCh38, 1-based): chr12:8,823,885, A>G. VCF-style: chr12-8823885-A-G. GRCh37 (hg19) VCF-style: chr12-8976481-A-G.
Identifiers: ClinVar variation 3687774 (VCV003687774.2).
Genomic context (GRCh38, chr12:8,823,885, plus strand): 5'-CAGGGGAACGGCACCTTTGTACAGACTGACAAACCTCTCTACACCCCAGGGCAGCAAGGT[A>G]AGAGTCACATATTTGGGGTTCGACTAAAACCTGGGGAAACCGCTGTGCACAGGGGTAAAG-3'